The following is an entry in ClinVar:

NM_000540.3(RYR1):c.4423A>G (p.Met1475Val)

Gene: RYR1 (ryanodine receptor 1; plus strand). Cytogenetic location: 19q13.2.
Variant type: single nucleotide variant.
Coding change: c.4423A>G on transcript NM_000540.3 (MANE Select); coding-DNA position 4423, A replaced by G.
Protein change: p.Met1475Val; replaces methionine 1475 with valine.
Molecular consequence: missense variant.
Genome position (GRCh38, 1-based): chr19:38,477,839, A>G. VCF-style: chr19-38477839-A-G. GRCh37 (hg19) VCF-style: chr19-38968479-A-G.
Other names: c.4423A>G, p.Met1475Val (NM_001042723.2); short protein forms M1475V.
Identifiers: ClinVar variation 3073036 (VCV003073036.2), dbSNP rs2514178165, ClinGen allele CA405646227.

ClinVar aggregate classification (germline): Uncertain significance. Review status: criteria provided, multiple submitters, no conflicts (2 of 4 stars). 2 submissions from 2 submitters: Uncertain significance (2). Last evaluated 2026-07-07.

Conditions:
Malignant hyperthermia, susceptibility to, 1 (MHS1). Also called: Anesthesia related hyperthermia; Malignant hyperpyrexia; Fulminating hyperpyrexia; Pharmacogenic myopathy; RYR1-Related Malignant Hyperthermia Susceptibility; Malignant hyperthermia suceptibility 1. Identifiers: Orphanet 423, MedGen C2930980, MONDO:0007783, OMIM 145600.
Inborn genetic diseases. Identifiers: MedGen C0950123, MeSH D030342.

Submissions (2):

Ambry Genetics
Classification: Uncertain significance for Inborn genetic diseases. Last evaluated: 2026-07-07. Review status: criteria provided, single submitter. Criteria: Ambry Variant Classification Scheme 2023. Collection method: clinical testing. Allele origin: germline.
Comment: The p.M1475V variant (also known as c.4423A>G), located in coding exon 30 of the RYR1 gene, results from an A to G substitution at nucleotide position 4423. The methionine at codon 1475 is replaced by valine, an amino acid with highly similar properties. This amino acid position is conserved. In addition, this alteration is predicted to be tolerated by in silico analysis. Based on the available evidence, the clinical significance of this variant remains unclear.

All of Us Research Program, National Institutes of Health
Classification: Uncertain significance for Malignant hyperthermia, susceptibility to, 1. Last evaluated: 2023-11-30. Review status: criteria provided, single submitter. Criteria: ACMG Guidelines, 2015. Collection method: clinical testing. Allele origin: germline. Inheritance: Autosomal dominant inheritance. Observed: 1 variant allele, 1 heterozygote.
Comment: This study involves interpretation of variants in research participants for the purpose of population health screening. Participant phenotype was not available at the time of variant classification. Additional details can be found in publication PMID: 35346344, PMCID: PMC8962531